The following is an entry in ClinVar:

NM_000719.7(CACNA1C):c.2188T>A (p.Cys730Ser)

Gene: CACNA1C (calcium voltage-gated channel subunit alpha1 C; plus strand). Cytogenetic location: 12p13.33.
Variant type: single nucleotide variant.
Coding change: c.2188T>A on transcript NM_000719.7 (MANE Select); coding-DNA position 2188, T replaced by A.
Protein change: p.Cys730Ser; replaces cysteine 730 with serine.
Molecular consequence: missense variant.
Genome position (GRCh38, 1-based): chr12:2,582,906, T>A. VCF-style: chr12-2582906-T-A. GRCh37 (hg19) VCF-style: chr12-2692072-T-A.
Other names: c.2188T>A, p.Cys730Ser (NM_001129836.2, NM_001129837.2, NM_001129838.2 and 18 more transcripts); c.2179T>A, p.Cys727Ser (NM_001129844.2); short protein forms C730S, C727S.
Identifiers: ClinVar variation 2897324 (VCV002897324.4), dbSNP rs752663570, ClinGen allele CA6388914.
Genomic context (GRCh38, chr12:2,582,906, plus strand): 5'-TCGGTGATGTATGATGGGATCATGGCTTATGGCGGCCCCTCTTTTCCAGGGATGTTAGTC[T>A]GTATTTACTTCATCATCCTCTTCATCTGTGGAAACTGTATCCTTTGCTGCTGCCCCCCAC-3'
Protein context (NP_000710.5, residues 720-740): GGPSFPGMLV[Cys730Ser]IYFIILFICG

ClinVar aggregate classification (germline): Likely benign. Review status: criteria provided, multiple submitters, no conflicts (2 of 4 stars). 2 submissions from 2 submitters: Likely benign (2). Last evaluated 2026-09-24.

Conditions:
Long QT syndrome (LQTS). Identifiers: MedGen C0023976, MeSH D008133, MONDO:0002442. Disease mechanism: loss of function. Inheritance: Various modes of inheritance.
CACNA1C-related disorder. Also called: CACNA1C-related disorders; CACNA1C-related condition. Identifiers: MedGen CN381092, MONDO:0700321.

Allele frequency attached by ClinVar (database versions not stated): gnomAD 0.00001; gnomAD exomes 0.00001; TOPMed 0.00001; ExAC 0.00003.
gnomAD v4.1: 14 of 1,597,980 alleles (0.00088%); highest among the groups gnomAD compares: East Asian, 0.027%; no homozygotes.

Submissions (2):

PreventionGenetics, part of Exact Sciences
Classification: Likely benign for CACNA1C-related condition. Last evaluated: 2026-09-24. Review status: criteria provided, single submitter. Criteria: ACMG Guidelines, 2015. Collection method: clinical testing. Allele origin: germline.
Comment: This variant is classified as likely benign based on ACMG/AMP sequence variant interpretation guidelines (Richards et al. 2015 PMID: 25741868, with internal and published modifications).

Labcorp Genetics (formerly Invitae), Labcorp
Classification: Likely benign for Long QT syndrome. Last evaluated: 2025-06-07. Review status: criteria provided, single submitter. Criteria: Invitae Variant Classification Sherloc (09022015). Collection method: clinical testing. Allele origin: germline.